The following is an entry in ClinVar:

NM_000807.4(GABRA2):c.493G>A (p.Glu165Lys)

Gene: GABRA2 (gamma-aminobutyric acid type A receptor subunit alpha2; minus strand). Cytogenetic location: 4p12.
Variant type: single nucleotide variant.
Coding change: c.493G>A on transcript NM_000807.4 (MANE Select); coding-DNA position 493, G replaced by A.
Protein change: p.Glu165Lys; replaces glutamic acid 165 with lysine.
Molecular consequence: missense variant.
Genome position (GRCh38, 1-based): chr4:46,310,239, C>T on the plus strand (G>A on the coding strand, the complement: GABRA2 is on the minus strand). VCF-style: chr4-46310239-C-T. GRCh37 (hg19) VCF-style: chr4-46312256-C-T.
Other names: c.493G>A, p.Glu165Lys (NM_001114175.3, NM_001330690.2, NM_001377144.1 and 8 more transcripts); c.328G>A, p.Glu110Lys (NM_001286827.3, NM_001377152.1, NM_001377153.1 and 1 more transcripts); short protein forms E110K, E165K.
Identifiers: ClinVar variation 1318757 (VCV001318757.2), dbSNP rs2109675963, ClinGen allele CA356799067.

ClinVar aggregate classification (germline): Uncertain significance (1 of 4 stars; one submission).

Allele frequency attached by ClinVar (database versions not stated): gnomAD exomes below 0.00001.
gnomAD v4.1: 1 of 1,613,634 alleles (0.000062%); highest among the groups gnomAD compares: Non-Finnish European, 0.000085%; no homozygotes.

Submission:

GeneDx
Classification: Uncertain significance. Last evaluated: 2019-10-13. Review status: criteria provided, single submitter. Criteria: GeneDx Variant Classification Process June 2021. Collection method: clinical testing. Allele origin: germline. Affected: yes.
Comment: Not observed in large population cohorts (Lek et al., 2016); In silico analysis, which includes protein predictors and evolutionary conservation, supports a deleterious effect; Has not been previously published as pathogenic or benign to our knowledge